The following is an entry in ClinVar:

NM_000410.4(HFE):c.145G>T (p.Ala49Ser)

Genes: HFE (homeostatic iron regulator; plus strand), HFE-AS1 (HFE antisense RNA 1; minus strand). Cytogenetic location: 6p22.2.
Variant type: single nucleotide variant.
Coding change: c.145G>T on transcript NM_000410.4 (MANE Select); coding-DNA position 145, G replaced by T.
Protein change: p.Ala49Ser; replaces alanine 49 with serine.
Molecular consequence: missense variant. On other transcripts: non-coding transcript variant (1), splice acceptor variant (1), intron variant (5).
Genome position (GRCh38, 1-based): chr6:26,090,909, G>T. VCF-style: chr6-26090909-G-T. GRCh37 (hg19) VCF-style: chr6-26091137-G-T.
Other names: c.145G>T, p.Ala49Ser (NM_001300749.3, NM_001384164.1, NM_001406751.1 and 3 more transcripts); c.77-1G>T (NM_139009.3); c.77-405G>T (NM_139007.3, NM_001406752.1, NM_139008.3); c.77-1776G>T (NM_139010.3); c.77-2210G>T (NM_139011.3); short protein forms A49S.
Identifiers: ClinVar variation 2429149 (VCV002429149.4), dbSNP rs2481601727, ClinGen allele CA363204367.

ClinVar aggregate classification (germline): Uncertain significance (1 of 4 stars; one submission).

Submission:

Women's Health and Genetics/Laboratory Corporation of America, LabCorp
Classification: Uncertain significance. Last evaluated: 2023-01-17. Review status: criteria provided, single submitter. Criteria: LabCorp Variant Classification Summary - May 2015. Collection method: clinical testing. Allele origin: germline.
Comment: Variant summary: HFE c.145G>T (p.Ala49Ser) results in a conservative amino acid change located in the MHC class I-like antigen recognition-like (IPR011161) of the encoded protein sequence. Four of five in-silico tools predict a benign effect of the variant on protein function. The variant was absent in 251482 control chromosomes. The available data on variant occurrences in the general population are insufficient to allow any conclusion about variant significance. To our knowledge, no occurrence of c.145G>T in individuals affected with Hemochromatosis Type 1 and no experimental evidence demonstrating its impact on protein function have been reported. No clinical diagnostic laboratories have submitted clinical-significance assessments for this variant to ClinVar after 2014. Based on the evidence outlined above, the variant was classified as uncertain significance.